The following is an entry in ClinVar:

ClinVar aggregate classification (germline): Pathogenic (1 of 4 stars; one submission).

Submission:

Labcorp Genetics (formerly Invitae), Labcorp
Classification: Pathogenic. Last evaluated: 2026-01-12. Review status: criteria provided, single submitter. Criteria: Invitae Variant Classification Sherloc (09022015). Collection method: clinical testing. Allele origin: germline.
Comment: This sequence change creates a premature translational stop signal (p.Asn281Lysfs*5) in the RFX6 gene. It is expected to result in an absent or disrupted protein product. Loss-of-function variants in RFX6 are known to be pathogenic (PMID: 20148032). This variant is not present in population databases (gnomAD no frequency). This variant has not been reported in the literature in individuals affected with RFX6-related conditions. For these reasons, this variant has been classified as Pathogenic.

Literature cited by the submitters: PubMed 20148032.

NM_173560.4(RFX6):c.842dup (p.Asn281fs)

Gene: RFX6 (regulatory factor X6; plus strand). Cytogenetic location: 6q22.1.
Variant type: Duplication.
Coding change: c.842dup on transcript NM_173560.4 (MANE Select); coding-DNA position 842, one base duplicated (A; older notation c.842dupA).
Protein change: p.Asn281fs; shifts the reading frame from asparagine 281.
Molecular consequence: frameshift variant.
Genome position (GRCh38, 1-based): chr6:116,916,069, A duplicated; the last of 2 consecutive A bases (chr6:116,916,068-116,916,069); duplicating either gives the same sequence. VCF-style (leftmost placement, unchanged base first): chr6-116916067-T-TA. GRCh37 (hg19) VCF-style: chr6-117237230-T-TA.
Other names: short protein forms N281fs.
Identifiers: ClinVar variation 4735174 (VCV004735174.1).